The following is an entry in ClinVar:

ClinVar aggregate classification (germline): Uncertain significance (1 of 4 stars; one submission).

Allele frequency attached by ClinVar (database versions not stated): gnomAD exomes 0.00001; gnomAD 0.00002; TOPMed 0.00002; ExAC 0.00010.

Submission:

Women's Health and Genetics/Laboratory Corporation of America, LabCorp
Classification: Uncertain significance. Last evaluated: 2023-11-07. Review status: criteria provided, single submitter. Criteria: LabCorp Variant Classification Summary - May 2015. Collection method: clinical testing. Allele origin: germline.
Comment: Variant summary: TAF4 c.2060C>T (p.Ser687Leu) results in a non-conservative amino acid change in the encoded protein sequence. Three of five in-silico tools predict a damaging effect of the variant on protein function. The variant allele was found at a frequency of 5.4e-05 in 238878 control chromosomes. To our knowledge, no occurrence of c.2060C>T in individuals affected with Intellectual Developmental Disorder, Autosomal Dominant 73 and no experimental evidence demonstrating its impact on protein function have been reported. No submitters have cited clinical-significance assessments for this variant to ClinVar after 2014. Based on the evidence outlined above, the variant was classified as uncertain significance.

NM_003185.4(TAF4):c.2060C>T (p.Ser687Leu)

Gene: TAF4 (TATA-box binding protein associated factor 4; minus strand). Cytogenetic location: 20q13.33.
Variant type: single nucleotide variant.
Coding change: c.2060C>T on transcript NM_003185.4 (MANE Select); coding-DNA position 2060, C replaced by T.
Protein change: p.Ser687Leu; replaces serine 687 with leucine.
Molecular consequence: missense variant.
Genome position (GRCh38, 1-based): chr20:62,006,673, G>A on the plus strand (C>T on the coding strand, the complement: TAF4 is on the minus strand). VCF-style: chr20-62006673-G-A. GRCh37 (hg19) VCF-style: chr20-60581729-G-A.
Other names: short protein forms S687L.
Identifiers: ClinVar variation 2682368 (VCV002682368.1), dbSNP rs757698279, ClinGen allele CA9935678.